The following is an entry in ClinVar:

ClinVar aggregate classification (germline): Pathogenic (1 of 4 stars; one submission).

Conditions:
Early-infantile DEE. Also called: Early infantile epileptic encephalopathy with suppression bursts; Early infantile epileptic encephalopathy; Ohtahara syndrome. Identifiers: Orphanet 1934, MedGen C0393706, MONDO:0800491.

Submission:

Labcorp Genetics (formerly Invitae), Labcorp
Classification: Pathogenic for Early-infantile DEE. Last evaluated: 2025-08-29. Review status: criteria provided, single submitter. Criteria: Invitae Variant Classification Sherloc (09022015). Collection method: clinical testing. Allele origin: germline.
Comment: This sequence change creates a premature translational stop signal (p.Ser1476*) in the SPTAN1 gene. It is expected to result in an absent or disrupted protein product. Loss-of-function variants in SPTAN1 are known to be pathogenic (PMID: 31332438, 33206935). This variant is not present in population databases (gnomAD no frequency). This variant has not been reported in the literature in individuals affected with SPTAN1-related conditions. For these reasons, this variant has been classified as Pathogenic.

Literature cited by the submitters: PubMed 31332438; PubMed 33206935.

NM_001130438.3(SPTAN1):c.4427C>G (p.Ser1476Ter)

Gene: SPTAN1 (spectrin alpha, non-erythrocytic 1; plus strand). Cytogenetic location: 9q34.11.
Variant type: single nucleotide variant.
Coding change: c.4427C>G on transcript NM_001130438.3 (MANE Select); coding-DNA position 4427, C replaced by G.
Protein change: p.Ser1476Ter; replaces serine 1476 with a stop codon.
Molecular consequence: nonsense.
Genome position (GRCh38, 1-based): chr9:128,608,212, C>G. VCF-style: chr9-128608212-C-G. GRCh37 (hg19) VCF-style: chr9-131370491-C-G.
Other names: c.4367C>G, p.Ser1456Ter (NM_001195532.2, NM_001363765.2, NM_001375314.2 and 3 more transcripts); c.4427C>G, p.Ser1476Ter (NM_001363759.2, NM_001375310.1, NM_001375311.2 and 4 more transcripts); c.4463C>G, p.Ser1488Ter (NM_001375312.2, NM_001375318.1, NM_001438440.1); short protein forms S1488*, S1456*, S1476*.
Identifiers: ClinVar variation 4722268 (VCV004722268.1).